The following is an entry in ClinVar:

NM_001999.4(FBN2):c.2478C>G (p.Cys826Trp)

Gene: FBN2 (fibrillin 2; minus strand). Cytogenetic location: 5q23.3.
Variant type: single nucleotide variant.
Coding change: c.2478C>G on transcript NM_001999.4 (MANE Select); coding-DNA position 2478, C replaced by G.
Protein change: p.Cys826Trp; replaces cysteine 826 with tryptophan.
Molecular consequence: missense variant.
Genome position (GRCh38, 1-based): chr5:128,361,799, G>C on the plus strand (C>G on the coding strand, the complement: FBN2 is on the minus strand). VCF-style: chr5-128361799-G-C. GRCh37 (hg19) VCF-style: chr5-127697492-G-C.
Other names: short protein forms C826W.
Identifiers: ClinVar variation 519866 (VCV000519866.5), dbSNP rs1554125090, ClinGen allele CA360768068.

ClinVar aggregate classification (germline): Uncertain significance (1 of 4 stars; one submission).

Conditions:
Familial thoracic aortic aneurysm and aortic dissection (TAAD). Also called: Thoracic aortic aneurysms and dissections. Identifiers: Orphanet 91387, MedGen C4707243, MONDO:0019625.

Submission:

Ambry Genetics
Classification: Uncertain significance for Familial thoracic aortic aneurysm and aortic dissection. Last evaluated: 2017-11-27. Review status: criteria provided, single submitter. Criteria: Ambry Variant Classification Scheme 2023. Collection method: clinical testing. Allele origin: germline.
Comment: The p.C826W variant (also known as c.2478C>G), located in coding exon 19 of the FBN2 gene, results from a C to G substitution at nucleotide position 2478. The cysteine at codon 826 is replaced by tryptophan, an amino acid with highly dissimilar properties. This amino acid position is highly conserved in available vertebrate species. In addition, this alteration is predicted to be deleterious by in silico analysis. Since supporting evidence is limited at this time, the clinical significance of this alteration remains unclear.